The following is an entry in ClinVar:

ClinVar aggregate classification (germline): Uncertain significance. Review status: criteria provided, multiple submitters, no conflicts (2 of 4 stars). 2 submissions from 2 submitters: Uncertain significance (2). Last evaluated 2024-11-22.

Conditions:
Developmental delay, hypotonia, musculoskeletal defects, and behavioral abnormalities. Identifiers: MedGen C5562012, MONDO:0859202, OMIM 619595.
Floating-Harbor syndrome (FLHS). Also called: SRCAP-Related Floating-Harbor Syndrome; Short stature with delayed bone age, expressive language delay, a triangular face with a prominent nose and deep-set eyes; Pelletier-Leisti syndrome. Identifiers: Orphanet 2044, MedGen C0729582, MONDO:0007621, OMIM 136140.

Allele frequency attached by ClinVar (database versions not stated): TOPMed below 0.00001; gnomAD 0.00001; gnomAD exomes 0.00001.
gnomAD v4.1: 12 of 1,614,100 alleles (0.00074%); highest among the groups gnomAD compares: African/African-American, 0.0013%; no homozygotes.

Submissions (2):

Labcorp Genetics (formerly Invitae), Labcorp
Classification: Uncertain significance. Last evaluated: 2024-11-22. Review status: criteria provided, single submitter. Criteria: Invitae Variant Classification Sherloc (09022015). Collection method: clinical testing. Allele origin: germline.
Comment: This sequence change replaces proline, which is neutral and non-polar, with serine, which is neutral and polar, at codon 1750 of the SRCAP protein (p.Pro1750Ser). This variant is not present in population databases (gnomAD no frequency). This variant has not been reported in the literature in individuals affected with SRCAP-related conditions. ClinVar contains an entry for this variant (Variation ID: 1936109). Invitae Evidence Modeling of protein sequence and biophysical properties (such as structural, functional, and spatial information, amino acid conservation, physicochemical variation, residue mobility, and thermodynamic stability) indicates that this missense variant is not expected to disrupt SRCAP protein function with a negative predictive value of 80%. In summary, the available evidence is currently insufficient to determine the role of this variant in disease. Therefore, it has been classified as a Variant of Uncertain Significance.

Fulgent Genetics
Classification: Uncertain significance for Floating-Harbor syndrome; Developmental delay, hypotonia, musculoskeletal defects, and behavioral abnormalities. Last evaluated: 2024-05-03. Review status: criteria provided, single submitter. Criteria: ACMG Guidelines, 2015. Collection method: clinical testing. Allele origin: germline.

NM_006662.3(SRCAP):c.5248C>T (p.Pro1750Ser)

Gene: SRCAP (Snf2 related CREBBP activator protein; plus strand). Cytogenetic location: 16p11.2.
Variant type: single nucleotide variant.
Coding change: c.5248C>T on transcript NM_006662.3 (MANE Select); coding-DNA position 5248, C replaced by T.
Protein change: p.Pro1750Ser; replaces proline 1750 with serine.
Molecular consequence: missense variant.
Genome position (GRCh38, 1-based): chr16:30,724,672, C>T. VCF-style: chr16-30724672-C-T. GRCh37 (hg19) VCF-style: chr16-30735993-C-T.
Other names: short protein forms P1750S.
Identifiers: ClinVar variation 1936109 (VCV001936109.6), dbSNP rs1421771701, ClinGen allele CA395617934.